The following is an entry in ClinVar:

ClinVar aggregate classification (germline): Uncertain significance. Review status: criteria provided, single submitter (1 of 4 stars). 3 submissions from 2 submitters: Uncertain significance (1). 2 of the submissions do not count toward it. Last evaluated 2021-09-19.

Conditions:
Long QT syndrome 16. Identifiers: MedGen C5394068, MONDO:0032915, OMIM 618782.
Long QT syndrome 1 (LQT1). Identifiers: Orphanet 101016, Orphanet 768, MedGen C4551647, MONDO:0100316, OMIM 192500, MONDO:0008646.
Familial long QT syndrome (RWS). Also called: Romano-Ward syndrome; Congenital long QT syndrome; VENTRICULAR FIBRILLATION WITH PROLONGED QT INTERVAL. Identifiers: Orphanet 768, MedGen C1141890, MONDO:0019171.

Allele frequency attached by ClinVar (database versions not stated): gnomAD 0.00001; gnomAD exomes 0.00001; TOPMed 0.00001; ExAC 0.00002.

Submissions (3):

Labcorp Genetics (formerly Invitae), Labcorp
Classification: Uncertain significance for Long QT syndrome 1. Last evaluated: 2021-09-19. Review status: criteria provided, single submitter. Criteria: Invitae Variant Classification Sherloc (09022015). Collection method: clinical testing. Allele origin: germline.
Comment: Variants that disrupt the consensus splice site are a relatively common cause of aberrant splicing (PMID: 17576681, 9536098). Algorithms developed to predict the effect of sequence changes on RNA splicing suggest that this variant is not likely to affect RNA splicing. This variant has not been reported in the literature in individuals affected with CALM3-related conditions. This variant is present in population databases (rs756875833, ExAC 0.006%). This sequence change falls in intron 1 of the CALM3 gene. It does not directly change the encoded amino acid sequence of the CALM3 protein. It affects a nucleotide within the consensus splice site of the intron. In summary, the available evidence is currently insufficient to determine the role of this variant in disease. Therefore, it has been classified as a Variant of Uncertain Significance.

Razi Pathobiology & Medical Genetics
Classification: Benign for Familial long QT syndrome. Last evaluated: 2023-12-30. Review status: no assertion criteria provided. Collection method: clinical testing. Allele origin: germline. Affected: no. Not counted in ClinVar's aggregate classification.

Razi Pathobiology & Medical Genetics
Classification: Benign for Long QT syndrome 16. Last evaluated: 2023-12-29. Review status: no assertion criteria provided. Collection method: clinical testing. Allele origin: germline. Affected: no. Not counted in ClinVar's aggregate classification.

Literature cited by the submitters: PubMed 17576681 (cited by Labcorp Genetics (formerly Invitae), Labcorp); PubMed 9536098 (cited by Labcorp Genetics (formerly Invitae), Labcorp).

NM_005184.4(CALM3):c.4-3C>T

Gene: CALM3 (calmodulin 3; plus strand). Cytogenetic location: 19q13.32.
Variant type: single nucleotide variant.
Coding change: c.4-3C>T on transcript NM_005184.4 (MANE Select); 3 bases into the intron before coding-DNA position 4, C replaced by T.
Molecular consequence: intron variant.
Genome position (GRCh38, 1-based): chr19:46,605,824, C>T. VCF-style: chr19-46605824-C-T. GRCh37 (hg19) VCF-style: chr19-47109081-C-T.
Other names: c.-105-3C>T (NM_001329921.1, NM_001329923.1); c.-103-3C>T (NM_001329924.2); c.-97-3C>T (NM_001329926.2); c.-74-2373C>T (NM_001329925.2); c.4-3C>T (NM_001329922.1).
Identifiers: ClinVar variation 1438531 (VCV001438531.5), dbSNP rs756875833, ClinGen allele CA9529724.